The following is an entry in ClinVar:

ClinVar aggregate classification (germline): Uncertain significance. Review status: criteria provided, single submitter (1 of 4 stars). 2 submissions from 2 submitters: Uncertain significance (1). 1 of the submissions does not count toward it. Last evaluated 2024-03-11.

Conditions:
Familial long QT syndrome (RWS). Also called: Congenital long QT syndrome; Romano-Ward syndrome; VENTRICULAR FIBRILLATION WITH PROLONGED QT INTERVAL. Identifiers: Orphanet 768, MedGen C1141890, MONDO:0019171.
Long QT syndrome (LQTS). Identifiers: MedGen C0023976, MeSH D008133, MONDO:0002442. Disease mechanism: loss of function. Inheritance: Various modes of inheritance.

Submissions (2):

Labcorp Genetics (formerly Invitae), Labcorp
Classification: Uncertain significance for Long QT syndrome. Last evaluated: 2024-03-11. Review status: criteria provided, single submitter. Criteria: Invitae Variant Classification Sherloc (09022015). Collection method: clinical testing. Allele origin: germline.
Comment: This sequence change replaces glycine, which is neutral and non-polar, with arginine, which is basic and polar, at codon 350 of the KCNQ1 protein (p.Gly350Arg). This variant is not present in population databases (gnomAD no frequency). This missense change has been observed in individual(s) with clinical features of Long QT syndrome (PMID: 19716085, 31737537, 34505893). ClinVar contains an entry for this variant (Variation ID: 67007). Advanced modeling of protein sequence and biophysical properties (such as structural, functional, and spatial information, amino acid conservation, physicochemical variation, residue mobility, and thermodynamic stability) performed at Invitae indicates that this missense variant is expected to disrupt KCNQ1 protein function with a positive predictive value of 95%. In summary, the available evidence is currently insufficient to determine the role of this variant in disease. Therefore, it has been classified as a Variant of Uncertain Significance.

Cardiovascular Biomedical Research Unit, Royal Brompton & Harefield NHS Foundation Trust
No classification provided. Condition: Familial long QT syndrome. Review status: no classification provided. Collection method: literature only. Allele origin: germline. Not counted in ClinVar's aggregate classification.
Comment: This variant has been reported as associated with Long QT syndrome in the following publications (PMID:19716085). This is a literature report, and does not necessarily reflect the clinical interpretation of the Imperial College / Royal Brompton Cardiovascular Genetics laboratory.

Literature cited by the submitters: PubMed 19716085 (cited by Labcorp Genetics (formerly Invitae), Labcorp and Cardiovascular Biomedical Research Unit, Royal Brompton & Harefield NHS Foundation Trust); PubMed 31737537 (cited by Labcorp Genetics (formerly Invitae), Labcorp); PubMed 34505893 (cited by Labcorp Genetics (formerly Invitae), Labcorp); PubMed 22581653 (cited by Cardiovascular Biomedical Research Unit, Royal Brompton & Harefield NHS Foundation Trust).

NM_000218.3(KCNQ1):c.1048G>A (p.Gly350Arg)

Gene: KCNQ1 (potassium voltage-gated channel subfamily Q member 1; plus strand). Cytogenetic location: 11p15.5.
Variant type: single nucleotide variant.
Coding change: c.1048G>A on transcript NM_000218.3 (MANE Select); coding-DNA position 1048, G replaced by A.
Protein change: p.Gly350Arg; replaces glycine 350 with arginine.
Molecular consequence: missense variant.
Genome position (GRCh38, 1-based): chr11:2,585,227, G>A. VCF-style: chr11-2585227-G-A. GRCh37 (hg19) VCF-style: chr11-2606457-G-A.
Other names: c.1048G>A (LRG_287t1); c.778G>A, p.Gly260Arg (NM_001406837.1); c.667G>A, p.Gly223Arg (NM_181798.2); short protein forms G350R, G223R, G260R.
Identifiers: ClinVar variation 67007 (VCV000067007.5), dbSNP rs199472824, ClinGen allele CA005089.
Genomic context (GRCh38, chr11:2,585,227, plus strand): 5'-GCAGTGGCCTGTGTGGACGGGAGCCTCCTGTCCATTCCTTCCCAGGGGATTCTTGGCTCG[G>A]GGTTTGCCCTGAAGGTGCAGCAGAAGCAGAGGCAGAAGCACTTCAACCGGCAGATCCCGG-3'
Protein context (NP_000209.2, residues 340-360): FALPAGILGS[Gly350Arg]FALKVQQKQR